The following is an entry in ClinVar:

NC_000018.9:g.(?_11880968)_(11881134_?)dup

Gene: GNAL (G protein subunit alpha L; plus strand). Cytogenetic location: 18p11.21.
Variant type: Duplication.
Identifiers: ClinVar variation 2423826 (VCV002423826.3).

ClinVar aggregate classification (germline): Uncertain significance (1 of 4 stars; one submission).

Conditions:
Dystonic disorder. Also called: Dystonia. Identifiers: MedGen C0013421, MONDO:0003441, HP:0001332.

Submission:

Labcorp Genetics (formerly Invitae), Labcorp
Classification: Uncertain significance for Dystonic disorder. Last evaluated: 2022-02-17. Review status: criteria provided, single submitter. Criteria: Invitae Variant Classification Sherloc (09022015). Collection method: clinical testing. Allele origin: germline.
Comment: This variant results in a copy number gain of the genomic region encompassing exon(s) 13 of the GNAL gene. This region includes the termination codon of the gene. This copy number gain extends beyond the assayed region for this gene and therefore may encompass additional genes. As the precise location of this event is unknown, it may be in tandem or it may be located elsewhere in the genome. A similar copy number variant has been observed in individual(s) with dystonia (Invitae). Experimental studies and prediction algorithms are not available or were not evaluated, and the functional significance of this variant is currently unknown. In summary, the available evidence is currently insufficient to determine the role of this variant in disease. Therefore, it has been classified as a Variant of Uncertain Significance.